The following is an entry in ClinVar:

ClinVar aggregate classification (germline): Uncertain significance (1 of 4 stars; one submission).

Conditions:
Cryopyrin associated periodic syndrome (CAPS). Identifiers: Orphanet 208650, MedGen C2316212, MONDO:0016168.

gnomAD v4.1: 2 of 1,614,244 alleles (0.00012%); highest among the groups gnomAD compares: South Asian, 0.0022%; no homozygotes.

Submission:

Labcorp Genetics (formerly Invitae), Labcorp
Classification: Uncertain significance for Cryopyrin associated periodic syndrome. Last evaluated: 2026-01-03. Review status: criteria provided, single submitter. Criteria: Invitae Variant Classification Sherloc (09022015). Collection method: clinical testing. Allele origin: germline.
Comment: This sequence change replaces leucine, which is neutral and non-polar, with valine, which is neutral and non-polar, at codon 818 of the NLRP3 protein (p.Leu818Val). This variant is not present in population databases (gnomAD no frequency). This variant has not been reported in the literature in individuals affected with NLRP3-related conditions. Invitae Evidence Modeling of protein sequence and biophysical properties (such as structural, functional, and spatial information, amino acid conservation, physicochemical variation, residue mobility, and thermodynamic stability) indicates that this missense variant is not expected to disrupt NLRP3 protein function with a negative predictive value of 95%. In summary, the available evidence is currently insufficient to determine the role of this variant in disease. Therefore, it has been classified as a Variant of Uncertain Significance.

NM_001243133.2(NLRP3):c.2446C>G (p.Leu816Val)

Gene: NLRP3 (NLR family pyrin domain containing 3; plus strand). Cytogenetic location: 1q44.
Variant type: single nucleotide variant.
Coding change: c.2446C>G on transcript NM_001243133.2 (MANE Select); coding-DNA position 2446, C replaced by G.
Protein change: p.Leu816Val; replaces leucine 816 with valine.
Molecular consequence: missense variant.
Genome position (GRCh38, 1-based): chr1:247,434,227, C>G. VCF-style: chr1-247434227-C-G. GRCh37 (hg19) VCF-style: chr1-247597529-C-G.
Other names: c.2446C>G, p.Leu816Val (NM_001079821.3, NM_001127461.3); c.2275C>G, p.Leu759Val (NM_001127462.3, NM_183395.3); c.2452C>G, p.Leu818Val (NM_004895.5); short protein forms L759V, L818V, L816V.
Identifiers: ClinVar variation 4693777 (VCV004693777.1).